The following is an entry in ClinVar:

ClinVar aggregate classification (germline): Uncertain significance (1 of 4 stars; one submission).

Conditions:
Familial temporal lobe epilepsy 7. Identifiers: Orphanet 101046, MedGen C4225327, MONDO:0014639, OMIM 616436.
Norman-Roberts syndrome (LIS2). Also called: Lissencephaly 2 (Norman-Roberts type). Identifiers: Orphanet 89844, MedGen C0796089, MONDO:0009760, OMIM 257320.

Allele frequency attached by ClinVar (database versions not stated): TOPMed below 0.00001; gnomAD exomes 0.00001.
gnomAD v4.1: 16 of 1,606,506 alleles (0.001%); highest among the groups gnomAD compares: Non-Finnish European, 0.0014%; no homozygotes.

Submission:

Labcorp Genetics (formerly Invitae), Labcorp
Classification: Uncertain significance for Familial temporal lobe epilepsy 7; Norman-Roberts syndrome. Last evaluated: 2022-05-10. Review status: criteria provided, single submitter. Criteria: Invitae Variant Classification Sherloc (09022015). Collection method: clinical testing. Allele origin: germline.
Comment: This sequence change replaces histidine, which is basic and polar, with tyrosine, which is neutral and polar, at codon 896 of the RELN protein (p.His896Tyr). In summary, the available evidence is currently insufficient to determine the role of this variant in disease. Therefore, it has been classified as a Variant of Uncertain Significance. Algorithms developed to predict the effect of missense changes on protein structure and function are either unavailable or do not agree on the potential impact of this missense change (SIFT: "Deleterious"; PolyPhen-2: "Benign"; Align-GVGD: "Class C0"). This variant has not been reported in the literature in individuals affected with RELN-related conditions. This variant is not present in population databases (gnomAD no frequency).

NM_005045.4(RELN):c.2686C>T (p.His896Tyr)

Gene: RELN (reelin; minus strand). Cytogenetic location: 7q22.1.
Variant type: single nucleotide variant.
Coding change: c.2686C>T on transcript NM_005045.4 (MANE Select); coding-DNA position 2686, C replaced by T.
Protein change: p.His896Tyr; replaces histidine 896 with tyrosine.
Molecular consequence: missense variant.
Genome position (GRCh38, 1-based): chr7:103,629,956, G>A on the plus strand (C>T on the coding strand, the complement: RELN is on the minus strand). VCF-style: chr7-103629956-G-A. GRCh37 (hg19) VCF-style: chr7-103270403-G-A.
Other names: c.2686C>T, p.His896Tyr (NM_173054.3); short protein forms H896Y.
Identifiers: ClinVar variation 2149908 (VCV002149908.4), dbSNP rs1562930401, ClinGen allele CA368757793.